The following is an entry in ClinVar:

NM_024675.4(PALB2):c.2437A>C (p.Ile813Leu)

Gene: PALB2 (partner and localizer of BRCA2; minus strand). Cytogenetic location: 16p12.2.
Variant type: single nucleotide variant.
Coding change: c.2437A>C on transcript NM_024675.4 (MANE Select); coding-DNA position 2437, A replaced by C.
Protein change: p.Ile813Leu; replaces isoleucine 813 with leucine.
Molecular consequence: missense variant.
Genome position (GRCh38, 1-based): chr16:23,629,717, T>G on the plus strand (A>C on the coding strand, the complement: PALB2 is on the minus strand). VCF-style: chr16-23629717-T-G. GRCh37 (hg19) VCF-style: chr16-23641038-T-G.
Other names: short protein forms I813L.
Identifiers: ClinVar variation 492183 (VCV000492183.23), dbSNP rs766396469, ClinGen allele CA7963574.

ClinVar aggregate classification (germline): Conflicting classifications of pathogenicity. Review status: criteria provided, conflicting classifications (1 of 4 stars). 4 submissions from 4 submitters: Uncertain significance (3); Likely benign (1). Last evaluated 2024-07-06.

Conditions:
Hereditary cancer-predisposing syndrome. Also called: Hereditary neoplastic syndrome; Tumor predisposition; Hereditary Cancer Syndrome; Neoplastic Syndromes, Hereditary. Identifiers: Orphanet 140162, MedGen C0027672, MeSH D009386, MONDO:0015356.
Familial cancer of breast. Also called: Hereditary breast cancer; hereditary breast carcinoma; BREAST CANCER, FAMILIAL. Identifiers: Orphanet 227535, MedGen C0346153, MONDO:0016419, OMIM 114480. Disease mechanism: loss of function.

Allele frequency attached by ClinVar (database versions not stated): gnomAD exomes below 0.00001; ExAC 0.00001.
gnomAD v4.1: 1 of 1,614,186 alleles (0.000062%); highest among the groups gnomAD compares: Admixed American, 0.0017%; no homozygotes.

Submissions (4):

Labcorp Genetics (formerly Invitae), Labcorp
Classification: Uncertain significance for Familial cancer of breast. Last evaluated: 2024-07-06. Review status: criteria provided, single submitter. Criteria: Invitae Variant Classification Sherloc (09022015). Collection method: clinical testing. Allele origin: germline.
Comment: This sequence change replaces isoleucine, which is neutral and non-polar, with leucine, which is neutral and non-polar, at codon 813 of the PALB2 protein (p.Ile813Leu). This variant is present in population databases (rs766396469, gnomAD 0.003%). This variant has not been reported in the literature in individuals affected with PALB2-related conditions. ClinVar contains an entry for this variant (Variation ID: 492183). Advanced modeling of protein sequence and biophysical properties (such as structural, functional, and spatial information, amino acid conservation, physicochemical variation, residue mobility, and thermodynamic stability) performed at Invitae indicates that this missense variant is not expected to disrupt PALB2 protein function with a negative predictive value of 80%. In summary, the available evidence is currently insufficient to determine the role of this variant in disease. Therefore, it has been classified as a Variant of Uncertain Significance.

Ambry Genetics
Classification: Likely benign for Hereditary cancer-predisposing syndrome. Last evaluated: 2024-06-12. Review status: criteria provided, single submitter. Criteria: Ambry Variant Classification Scheme 2023. Collection method: clinical testing. Allele origin: germline.

GeneDx
Classification: Uncertain significance. Last evaluated: 2019-12-12. Review status: criteria provided, single submitter. Criteria: GeneDx Variant Classification Process June 2021. Collection method: clinical testing. Allele origin: germline. Affected: yes.
Comment: Not observed at a significant frequency in large population cohorts (Lek 2016); In silico analysis, which includes protein predictors and evolutionary conservation, supports that this variant does not alter protein structure/function; Has not been previously published as pathogenic or benign to our knowledge

Color Diagnostics, LLC DBA Color Health
Classification: Uncertain significance for Hereditary cancer-predisposing syndrome. Last evaluated: 2019-03-23. Review status: criteria provided, single submitter. Criteria: ACMG Guidelines, 2015. Collection method: clinical testing. Allele origin: germline.